The following is an entry in ClinVar:

NC_000012.11:g.(?_2690736)_(2800365_?)dup

Gene: CACNA1C (calcium voltage-gated channel subunit alpha1 C; plus strand). Cytogenetic location: 12p13.33.
Variant type: Duplication.
Identifiers: ClinVar variation 2423371 (VCV002423371.5).

ClinVar aggregate classification (germline): Uncertain significance (1 of 4 stars; one submission).

Conditions:
Long QT syndrome (LQTS). Identifiers: MedGen C0023976, MeSH D008133, MONDO:0002442. Disease mechanism: loss of function. Inheritance: Various modes of inheritance.

Submission:

Labcorp Genetics (formerly Invitae), Labcorp
Classification: Uncertain significance for Long QT syndrome. Last evaluated: 2022-09-21. Review status: criteria provided, single submitter. Criteria: Invitae Variant Classification Sherloc (09022015). Collection method: clinical testing. Allele origin: germline.
Comment: In summary, the available evidence is currently insufficient to determine the role of this variant in disease. Therefore, it has been classified as a Variant of Uncertain Significance. Experimental studies and prediction algorithms are not available or were not evaluated, and the functional significance of this variant is currently unknown. This variant has not been reported in the literature in individuals affected with CACNA1C-related conditions. This variant results in a copy number gain of the genomic region encompassing exon(s) 14-47 of the CACNA1C gene. This region includes the termination codon of the gene. This copy number gain extends beyond the assayed region for this gene and therefore may encompass additional genes. As the precise location of this event is unknown, it may be in tandem or it may be located elsewhere in the genome.